The following is an entry in ClinVar:

ClinVar aggregate classification (germline): Benign/Likely benign. Review status: criteria provided, multiple submitters, no conflicts (2 of 4 stars). 3 submissions from 3 submitters: Benign (1); Likely benign (2). Last evaluated 2025-11-25.

Conditions:
Familial cancer of breast. Also called: BREAST CANCER, FAMILIAL; Hereditary breast cancer; hereditary breast carcinoma. Identifiers: Orphanet 227535, MedGen C0346153, MONDO:0016419, OMIM 114480. Disease mechanism: loss of function.
Hereditary cancer-predisposing syndrome. Also called: Hereditary neoplastic syndrome; Neoplastic Syndromes, Hereditary; Tumor predisposition; Hereditary Cancer Syndrome. Identifiers: Orphanet 140162, MedGen C0027672, MeSH D009386, MONDO:0015356.
Ataxia-telangiectasia syndrome (AT). Also called: LOUIS-BAR SYNDROME; Cerebello-oculocutaneous telangiectasia; Immunodeficiency with ataxia telangiectasia; AT, COMPLEMENTATION GROUP C; Ataxia-telangiectasia, complementation group D; ATAXIA-TELANGIECTASIA, COMPLEMENTATION GROUP A. Identifiers: Orphanet 100, MedGen C0004135, MONDO:0008840, OMIM 208900.

Submissions (3):

Labcorp Genetics (formerly Invitae), Labcorp
Classification: Likely benign for Ataxia-telangiectasia syndrome. Last evaluated: 2025-11-25. Review status: criteria provided, single submitter. Criteria: Invitae Variant Classification Sherloc (09022015). Collection method: clinical testing. Allele origin: germline.

Myriad Genetics, Inc.
Classification: Benign for Familial cancer of breast. Last evaluated: 2024-05-01. Review status: criteria provided, single submitter. Criteria: Myriad Autosomal Dominant, Autosomal Recessive and X-Linked Classification Criteria (2023). Collection method: clinical testing. Allele origin: unknown.
Comment: This variant is considered benign. This variant is a silent/synonymous amino acid change and it is not expected to impact splicing.

Ambry Genetics
Classification: Likely benign for Hereditary cancer-predisposing syndrome. Last evaluated: 2016-01-18. Review status: criteria provided, single submitter. Criteria: Ambry Variant Classification Scheme 2023. Collection method: clinical testing. Allele origin: germline.

NM_000051.4(ATM):c.1662G>C (p.Thr554=)

Gene: ATM (ATM serine/threonine kinase; plus strand). Cytogenetic location: 11q22.3.
Variant type: single nucleotide variant.
Coding change: c.1662G>C on transcript NM_000051.4 (MANE Select); coding-DNA position 1662, G replaced by C.
Protein change: p.Thr554=; no amino-acid change (threonine 554 retained).
Molecular consequence: synonymous variant.
Genome position (GRCh38, 1-based): chr11:108,251,891, G>C. VCF-style: chr11-108251891-G-C. GRCh37 (hg19) VCF-style: chr11-108122618-G-C.
Other names: c.1662G>C, p.Thr554= (NM_001351834.2).
Identifiers: ClinVar variation 481213 (VCV000481213.14), dbSNP rs764646531, ClinGen allele CA476672087.